The following is an entry in ClinVar:

ClinVar aggregate classification (germline): Uncertain significance. Review status: criteria provided, multiple submitters, no conflicts (2 of 4 stars). 2 submissions from 2 submitters: Uncertain significance (2). Last evaluated 2025-11-20.

Conditions:
Epilepsy, familial adult myoclonic, 5 (EPEO5). Also called: CORTICAL MYOCLONIC TREMOR WITH EPILEPSY, FAMILIAL, 5. Identifiers: Orphanet 86814, MedGen C3809374, MONDO:0014167, OMIM 615400.

Allele frequency attached by ClinVar (database versions not stated): TOPMed 0.00004; gnomAD exomes 0.00006; gnomAD 0.00004; ExAC 0.00007.
gnomAD v4.1: 77 of 1,564,868 alleles (0.0049%); highest among the groups gnomAD compares: South Asian, 0.015%; no homozygotes.

Submissions (2):

Ambry Genetics
Classification: Uncertain significance. Last evaluated: 2025-11-20. Review status: criteria provided, single submitter. Criteria: Ambry Variant Classification Scheme 2023. Collection method: clinical testing. Allele origin: germline.

Labcorp Genetics (formerly Invitae), Labcorp
Classification: Uncertain significance for Epilepsy, familial adult myoclonic, 5. Last evaluated: 2022-08-23. Review status: criteria provided, single submitter. Criteria: Invitae Variant Classification Sherloc (09022015). Collection method: clinical testing. Allele origin: germline.
Comment: This sequence change replaces valine, which is neutral and non-polar, with methionine, which is neutral and non-polar, at codon 91 of the CNTN2 protein (p.Val91Met). This variant is present in population databases (rs756428097, gnomAD 0.02%). This variant has not been reported in the literature in individuals affected with CNTN2-related conditions. ClinVar contains an entry for this variant (Variation ID: 1025288). Advanced modeling of protein sequence and biophysical properties (such as structural, functional, and spatial information, amino acid conservation, physicochemical variation, residue mobility, and thermodynamic stability) performed at Invitae indicates that this missense variant is not expected to disrupt CNTN2 protein function. In summary, the available evidence is currently insufficient to determine the role of this variant in disease. Therefore, it has been classified as a Variant of Uncertain Significance.

NM_005076.5(CNTN2):c.271G>A (p.Val91Met)

Gene: CNTN2 (contactin 2; plus strand). Cytogenetic location: 1q32.1.
Variant type: single nucleotide variant.
Coding change: c.271G>A on transcript NM_005076.5 (MANE Select); coding-DNA position 271, G replaced by A.
Protein change: p.Val91Met; replaces valine 91 with methionine.
Molecular consequence: missense variant. On other transcripts: non-coding transcript variant (1).
Genome position (GRCh38, 1-based): chr1:205,058,236, G>A. VCF-style: chr1-205058236-G-A. GRCh37 (hg19) VCF-style: chr1-205027364-G-A.
Other names: c.271G>A, p.Val91Met (NM_001346083.2); c.271G>A (NM_005076.3); short protein forms V91M.
Identifiers: ClinVar variation 1025288 (VCV001025288.7), dbSNP rs756428097, ClinGen allele CA1350990.
Genomic context (GRCh38, chr1:205,058,236, plus strand): 5'-TGCAGGTGGAAGATGAATGGTACCGAGATGAAGCTGGAGCCAGGTTCCCGTCACCAGCTG[G>A]TGGGGGGCAACCTGGTCATCATGAACCCCACCAAGGCACAGGATGCCGGGGTCTACCAGT-3'
Protein context (NP_005067.1, residues 81-101): KLEPGSRHQL[Val91Met]GGNLVIMNPT